The following is an entry in ClinVar:

ClinVar aggregate classification (germline): Conflicting classifications of pathogenicity. Review status: criteria provided, conflicting classifications (1 of 4 stars). 2 submissions from 2 submitters: Uncertain significance (1); Likely benign (1). Last evaluated 2026-01-13.

Conditions:
PCDH15-related disorder. Also called: PCDH15-related condition; PCDH15-related disorders.

Submissions (2):

Labcorp Genetics (formerly Invitae), Labcorp
Classification: Likely benign. Last evaluated: 2026-01-13. Review status: criteria provided, single submitter. Criteria: Invitae Variant Classification Sherloc (09022015). Collection method: clinical testing. Allele origin: germline.

PreventionGenetics, part of Exact Sciences
Classification: Uncertain significance for PCDH15-related condition. Last evaluated: 2025-12-31. Review status: criteria provided, single submitter. Criteria: ACMG Guidelines, 2015. Collection method: clinical testing. Allele origin: germline.
Comment: The PCDH15 c.5340_5342delTCC variant is predicted to result in an in-frame deletion (p.Pro1781del). To our knowledge, this variant has not been reported in the literature or in a large population database (gnomAD), indicating this variant is rare. At this time, the clinical significance of this variant is uncertain due to the absence of conclusive functional and genetic evidence.

NM_033056.4(PCDH15):c.5334TCC[2] (p.Pro1781del)

Gene: PCDH15 (protocadherin related 15; minus strand). Cytogenetic location: 10q21.1.
Variant type: Microsatellite.
Coding change: c.5334TCC[2] on transcript NM_033056.4 (MANE Plus Clinical); two copies in a row of the 3-base unit TCC starting at c.5334; the reference has three copies in a row; one copy, 3 bases deleted.
Protein change: p.Pro1781del; deletes proline 1781.
Molecular consequence: inframe deletion. On other transcripts: intron variant (8).
Genome position (GRCh38, 1-based): chr10:53,822,384-53,822,386, GGA deleted on the plus strand (TCC on the coding strand, the reverse complement: PCDH15 is on the minus strand); deleting any 3 consecutive bases within chr10:53,822,384-53,822,392 gives the same sequence; the position shown is the placement nearest the transcript's 3' end. VCF-style (leftmost placement, unchanged base first): chr10-53822383-GGGA-G. GRCh37 (hg19) VCF-style: chr10-55582143-GGGA-G.
Other names: c.5325TCC[2], p.Pro1778del (NM_001142766.2); c.5214TCC[2], p.Pro1741del (NM_001142767.2); c.5274TCC[2], p.Pro1761del (NM_001142768.2); c.5265TCC[2], p.Pro1758del (NM_001142773.2); c.5268TCC[2], p.Pro1759del (NM_001354404.2); c.4367+5001TCC[2] (NM_001354420.2); c.4368-4379TCC[2] (NM_001354429.2); c.4368-2162TCC[2] (NM_001384140.1); and 7 more; short protein forms P1712del, P1741del, P1758del, P1759del, P1761del, P1778del, P1781del, P1783del.
Identifiers: ClinVar variation 1638312 (VCV001638312.9), dbSNP rs928313592, ClinGen allele CA207219096.